The following is an entry in ClinVar:

NM_003590.5(CUL3):c.1655A>T (p.His552Leu)

Gene: CUL3 (cullin 3; minus strand). Cytogenetic location: 2q36.2.
Variant type: single nucleotide variant.
Coding change: c.1655A>T on transcript NM_003590.5 (MANE Select); coding-DNA position 1655, A replaced by T.
Protein change: p.His552Leu; replaces histidine 552 with leucine.
Molecular consequence: missense variant.
Genome position (GRCh38, 1-based): chr2:224,497,805, T>A on the plus strand (A>T on the coding strand, the complement: CUL3 is on the minus strand). VCF-style: chr2-224497805-T-A. GRCh37 (hg19) VCF-style: chr2-225362522-T-A.
Other names: c.1457A>T, p.His486Leu (NM_001257197.2); c.1673A>T, p.His558Leu (NM_001257198.2); short protein forms H552L, H486L, H558L.
Identifiers: ClinVar variation 4991838 (VCV004991838.1).

ClinVar aggregate classification (germline): Uncertain significance (1 of 4 stars; one submission).

Conditions:
CUL3-related disorder. Also called: CUL3-related condition; CUL3-related disorders.

Submission:

PreventionGenetics, part of Exact Sciences
Classification: Uncertain significance for CUL3-related condition. Last evaluated: 2025-08-29. Review status: criteria provided, single submitter. Criteria: ACMG Guidelines, 2015. Collection method: clinical testing. Allele origin: germline.
Comment: The CUL3 c.1655A>T variant is predicted to result in the amino acid substitution p.His552Leu. To our knowledge, this variant has not been reported in the literature or in a large population database (gnomAD), indicating this variant is rare. At this time, the clinical significance of this variant is uncertain due to the absence of conclusive functional and genetic evidence.